The following is an entry in ClinVar:

NM_001367479.1(DNAH14):c.846_847delinsAT (p.His282_His283delinsGlnTyr)

Gene: DNAH14 (dynein axonemal heavy chain 14; plus strand). Cytogenetic location: 1q42.12.
Variant type: Indel.
Coding change: c.846_847delinsAT on transcript NM_001367479.1 (MANE Select); coding-DNA positions 846 to 847, CC replaced by AT.
Protein change: p.His282_His283delinsGlnTyr.
Molecular consequence: missense variant.
Genome position (GRCh38, 1-based): chr1:225,002,798-225,002,799, CC replaced by AT. VCF-style: chr1-225002798-CC-AT. GRCh37 (hg19) VCF-style: chr1-225190500-CC-AT.
Other names: c.846_847delinsAT, p.His282_His283delinsGlnTyr (NM_001145154.3); c.777_778delinsAT, p.His259_His260delinsGlnTyr (NM_001349911.2).
Identifiers: ClinVar variation 2692532 (VCV002692532.1), dbSNP rs2529625567, ClinGen allele CA2697554948.
Genomic context (GRCh38, chr1:225,002,798, plus strand): 5'-CATTTTGAATGAGAGATATATCTGTAGAAATTTTTTAACTTTCAGGTCATTTTTGTACCA[CC>AT]ATCTTTTTTTGGCTGATGACTTGTTTCAAACCTGTTTGGTTTATATAAGAGGACTTTGTG-3'

ClinVar aggregate classification (germline): Uncertain significance (1 of 4 stars; one submission).

Submission:

Greenwood Genetic Center Diagnostic Laboratories, Greenwood Genetic Center
Classification: Uncertain significance. Last evaluated: 2023-10-10. Review status: criteria provided, single submitter. Criteria: ACMG Guidelines, 2015. Collection method: clinical testing. Allele origin: germline. Affected: yes.
Comment: Gene of Uncertain Significance